The following is an entry in ClinVar:

NM_000158.4(GBE1):c.671T>C (p.Leu224Pro)

Gene: GBE1 (1,4-alpha-glucan branching enzyme 1; minus strand). Cytogenetic location: 3p12.2.
Variant type: single nucleotide variant.
Coding change: c.671T>C on transcript NM_000158.4 (MANE Select); coding-DNA position 671, T replaced by C.
Protein change: p.Leu224Pro; replaces leucine 224 with proline.
Molecular consequence: missense variant.
Genome position (GRCh38, 1-based): chr3:81,648,876, A>G on the plus strand (T>C on the coding strand, the complement: GBE1 is on the minus strand). VCF-style: chr3-81648876-A-G. GRCh37 (hg19) VCF-style: chr3-81698027-A-G.
Other names: NM_000158.4(GBE1):c.671T>C; short protein forms L224P.
Identifiers: ClinVar variation 2778 (VCV000002778.19), dbSNP rs137852886, ClinGen allele CA115745.

ClinVar aggregate classification (germline): Pathogenic/Likely pathogenic. Review status: criteria provided, multiple submitters, no conflicts (2 of 4 stars). 10 submissions from 9 submitters: Pathogenic (3); Likely pathogenic (3). 4 of the submissions do not count toward it. Last evaluated 2024-12-09.

Conditions:
Adult polyglucosan body neuropathy. Identifiers: MedGen C4017118.
Glycogen storage disease IV, classic hepatic. Also called: GSD IV, CLASSIC HEPATIC. Identifiers: MedGen C1856301.
Glycogen storage disease, type IV (GSD4). Also called: BRANCHER DEFICIENCY; CIRRHOSIS, FAMILIAL, WITH DEPOSITION OF ABNORMAL GLYCOGEN; GBE1 DEFICIENCY; GLYCOGEN BRANCHING ENZYME DEFICIENCY; GLYCOGENOSIS IV; GSD IV. Identifiers: Orphanet 367, MedGen C0017923, MONDO:0009292, OMIM 232500.
Adult polyglucosan body disease (APBN). Also called: POLYGLUCOSAN BODY DISEASE, ADULT FORM; GBE1-Adult Polyglucosan Body Disease. Identifiers: Orphanet 206583, MedGen C1849722, MONDO:0009897, OMIM 263570.
Glycogen storage disease IV, nonprogressive hepatic. Identifiers: MedGen C4017114.

Allele frequency attached by ClinVar (database versions not stated): gnomAD 0.00002; gnomAD exomes below 0.00001; TOPMed 0.00002.
gnomAD v4.1: 7 of 1,567,166 alleles (0.00045%); highest among the groups gnomAD compares: Non-Finnish European, 0.00017%; no homozygotes.

Submissions (10):

Natera, Inc.
Classification: Likely pathogenic for Glycogen storage disease type IV. Last evaluated: 2024-12-09. Review status: criteria provided, single submitter. Criteria: Natera Variant Classification Schema (03/2026). Collection method: clinical testing. Allele origin: germline.
Comment: The c.671T>C variant in GBE1 is a missense variant predicted to cause substitution of leucine to proline at amino acid 224. This variant is rare in the general population with a frequency below the threshold expected for the associated phenotype(s). This variant has been observed in one or more individuals affected with the associated recessive disease, as either homozygous or compound heterozygous with a second variant (PMID: 8613547). Functional studies show that this variant may disrupt protein function (PMID: 8613547). Computational prediction algorithms indicate this variant is likely to affect gene or protein function. Given the available evidence, this variant is classified as Likely Pathogenic.

Fulgent Genetics
Classification: Pathogenic for Glycogen storage disease, type IV; Adult polyglucosan body disease. Last evaluated: 2024-03-26. Review status: criteria provided, single submitter. Criteria: ACMG Guidelines, 2015. Collection method: clinical testing. Allele origin: germline.

Baylor Genetics
Classification: Likely pathogenic for Glycogen storage disease, type IV. Last evaluated: 2023-11-19. Review status: criteria provided, single submitter. Criteria: ACMG Guidelines, 2015. Collection method: clinical testing. Allele origin: unknown.

Labcorp Genetics (formerly Invitae), Labcorp
Classification: Pathogenic for Glycogen storage disease, type IV; Glycogen storage disease IV, classic hepatic. Last evaluated: 2023-11-14. Review status: criteria provided, single submitter. Criteria: Invitae Variant Classification Sherloc (09022015). Collection method: clinical testing. Allele origin: germline.
Comment: This sequence change replaces leucine, which is neutral and non-polar, with proline, which is neutral and non-polar, at codon 224 of the GBE1 protein (p.Leu224Pro). The frequency data for this variant in the population databases is considered unreliable, as metrics indicate poor data quality at this position in the gnomAD database. This missense change has been observed in individual(s) with glycogen storage disease or polyglucosan body myopathy (PMID: 8613547, 25665141). In at least one individual the data is consistent with being in trans (on the opposite chromosome) from a pathogenic variant. ClinVar contains an entry for this variant (Variation ID: 2778). Advanced modeling of protein sequence and biophysical properties (such as structural, functional, and spatial information, amino acid conservation, physicochemical variation, residue mobility, and thermodynamic stability) performed at Invitae indicates that this missense variant is expected to disrupt GBE1 protein function with a positive predictive value of 95%. Experimental studies have shown that this missense change affects GBE1 function (PMID: 8613547). For these reasons, this variant has been classified as Pathogenic.

Broad Center for Mendelian Genomics, Broad Institute of MIT and Harvard
Classification: Likely pathogenic for Glycogen storage disease, type IV. Last evaluated: 2022-01-27. Review status: criteria provided, single submitter. Criteria: ACMG Guidelines, 2015. Collection method: curation. Allele origin: germline. Inheritance: Autosomal recessive inheritance.
Comment: The p.Leu224Pro variant in GBE1 has been reported in at least 4 individuals with GBE1-related disorders (PMID: 8613547, 25665141, 23034915) and has been identified in 0.01% (1/9498) of Ashkenazi Jewish chromosomes by the Genome Aggregation Database (gnomAD; dbSNP ID: rs137852886). Although this variant has been seen in the general population in a heterozygous state, its frequency is not high enough to rule out a pathogenic role. Of the 4 affected individuals, 1 was a compound heterozygote that carried a reported pathogenic variant in trans, and 3 were compound heterozygotes that carried a reported pathogenic variant with unknown phase, which increases the likelihood that the p.Leu224Pro variant is pathogenic (VariationID: 2777; PMID: 8613547, 25665141, 23034915). This variant has also been reported in ClinVar (Variation ID#: 2778) and has been interpreted as likely pathogenic/pathogenic by Counsyl, Invitae, GeneReviews, and OMIM. In vitro functional studies provide some evidence that the p.Leu224Pro variant may slightly impact protein function (PMID: 8613547). However, these types of assays may not accurately represent biological function. Computational prediction tools and conservation analyses suggest that this variant may impact the protein. In summary, although additional studies are required to fully establish its clinical significance, this variant is likely pathogenic for autosomal recessive GBE1-related disorders. ACMG/AMP Criteria applied: PP3, PS3_supporting, PM3_strong (Richards 2015).

Juno Genomics, Hangzhou Juno Genomics, Inc
Classification: Pathogenic for Glycogen storage disease, type IV; Adult polyglucosan body disease. Review status: criteria provided, single submitter. Criteria: ACMG Guidelines, 2015. Collection method: clinical testing. Allele origin: germline.
Comment: Absent from controls (or at extremely low frequency if recessive) in Genome Aggregation Database.;Well-established in vitro or in vivo functional studies supportive of a damaging effect on the gene or gene product.;For recessive disorders, detected in trans with a pathogenic variant.;Patient's phenotype or family history is highly specific for a disease with a single genetic etiology.

Counsyl
Classification: Likely pathogenic for Glycogen storage disease, type IV. Last evaluated: 2018-02-13. Review status: no assertion criteria provided. Collection method: clinical testing. Allele origin: unknown. Not counted in ClinVar's aggregate classification.

GeneReviews
Classification: Pathogenic for Adult Polyglucosan Body Disease. Last evaluated: 2009-04-02. Review status: no assertion criteria provided. Collection method: curation. Allele origin: unknown. Not counted in ClinVar's aggregate classification.
ClinVar note: Converted during submission from pathologic to Pathogenic.

OMIM
Classification: Pathogenic for GLYCOGEN STORAGE DISEASE IV, NONPROGRESSIVE HEPATIC. Last evaluated: 1996-02-15. Review status: no assertion criteria provided. Collection method: literature only. Allele origin: germline. Not counted in ClinVar's aggregate classification.

OMIM
Classification: Pathogenic for ADULT POLYGLUCOSAN BODY NEUROPATHY. Last evaluated: 1996-02-15. Review status: no assertion criteria provided. Collection method: literature only. Allele origin: germline. Not counted in ClinVar's aggregate classification.

Literature cited by the submitters: PubMed 8613547 (cited by 4 submitters); PubMed 25665141 (cited by 3 submitters).